The following is an entry in ClinVar:

NM_022437.3(ABCG8):c.1893T>A (p.Ser631Arg)

Gene: ABCG8 (ATP binding cassette subfamily G member 8; plus strand). Cytogenetic location: 2p21.
Variant type: single nucleotide variant.
Coding change: c.1893T>A on transcript NM_022437.3 (MANE Select); coding-DNA position 1893, T replaced by A.
Protein change: p.Ser631Arg; replaces serine 631 with arginine.
Molecular consequence: missense variant.
Genome position (GRCh38, 1-based): chr2:43,877,784, T>A. VCF-style: chr2-43877784-T-A. GRCh37 (hg19) VCF-style: chr2-44104923-T-A.
Other names: c.1890T>A, p.Ser630Arg (NM_001357321.2); short protein forms S630R, S631R.
Identifiers: ClinVar variation 3314348 (VCV003314348.1).

ClinVar aggregate classification (germline): Uncertain significance (1 of 4 stars; one submission).

Conditions:
Cardiovascular phenotype. Identifiers: MedGen CN230736.

Submission:

Ambry Genetics
Classification: Uncertain significance for Cardiovascular phenotype. Last evaluated: 2024-06-11. Review status: criteria provided, single submitter. Criteria: Ambry Variant Classification Scheme 2023. Collection method: clinical testing. Allele origin: germline.
Comment: The p.S631R variant (also known as c.1893T>A), located in coding exon 13 of the ABCG8 gene, results from a T to A substitution at nucleotide position 1893. The serine at codon 631 is replaced by arginine, an amino acid with dissimilar properties. This amino acid position is conserved. In addition, this alteration is predicted to be tolerated by in silico analysis. Based on the available evidence, the clinical significance of this variant remains unclear.